The following is an entry in ClinVar:

ClinVar aggregate classification (germline): Uncertain significance. Review status: criteria provided, multiple submitters, no conflicts (2 of 4 stars). 4 submissions from 4 submitters: Uncertain significance (4). Last evaluated 2025-10-11.

Conditions:
Dystonia 12 (DYT12). Also called: DYT-ATP1A3; Rapid-Onset Dystonia-Parkinsonism (RDP). Identifiers: Orphanet 71517, MedGen C1868681, MONDO:0007496, OMIM 128235.

Submissions (4):

Dasa
Classification: Uncertain significance. Last evaluated: 2025-10-11. Review status: criteria provided, single submitter. Criteria: DASA Assertion Criteria. Collection method: clinical testing. Allele origin: germline.
Comment: NM_152296.5(ATP1A3):c.2131G>A (p.Asp711Asn) is a missense variant that results in the substitution of aspartic acid with asparagine. This variant is absent from population databases. Computational prediction algorithms are consistent with a deleterious effect. The currently available literature and clinical evidence are not sufficient to establish a definitive association between this variant and the reported condition. Therefore, this variant is classified as a variant of uncertain significance.

GeneDx
Classification: Uncertain significance. Last evaluated: 2024-12-31. Review status: criteria provided, single submitter. Criteria: GeneDx Variant Classification Process June 2021. Collection method: clinical testing. Allele origin: germline. Affected: yes.
Comment: Not observed at significant frequency in large population cohorts (gnomAD); In silico analysis supports that this missense variant has a deleterious effect on protein structure/function; Has not been previously published as pathogenic or benign to our knowledge

Blueprint Genetics
Classification: Uncertain significance. Last evaluated: 2024-09-09. Review status: criteria provided, single submitter. Criteria: ACMG Guidelines, 2015. Collection method: clinical testing. Allele origin: germline.

Labcorp Genetics (formerly Invitae), Labcorp
Classification: Uncertain significance for Dystonia 12. Last evaluated: 2024-04-05. Review status: criteria provided, single submitter. Criteria: Invitae Variant Classification Sherloc (09022015). Collection method: clinical testing. Allele origin: germline.
Comment: This sequence change replaces aspartic acid, which is acidic and polar, with asparagine, which is neutral and polar, at codon 711 of the ATP1A3 protein (p.Asp711Asn). This variant is not present in population databases (gnomAD no frequency). This variant has not been reported in the literature in individuals affected with ATP1A3-related conditions. ClinVar contains an entry for this variant (Variation ID: 2003227). Advanced modeling of protein sequence and biophysical properties (such as structural, functional, and spatial information, amino acid conservation, physicochemical variation, residue mobility, and thermodynamic stability) performed at Invitae indicates that this missense variant is expected to disrupt ATP1A3 protein function with a positive predictive value of 95%. In summary, the available evidence is currently insufficient to determine the role of this variant in disease. Therefore, it has been classified as a Variant of Uncertain Significance.

NM_152296.5(ATP1A3):c.2131G>A (p.Asp711Asn)

Gene: ATP1A3 (ATPase Na+/K+ transporting subunit alpha 3; minus strand). Cytogenetic location: 19q13.2.
Variant type: single nucleotide variant.
Coding change: c.2131G>A on transcript NM_152296.5 (MANE Select); coding-DNA position 2131, G replaced by A.
Protein change: p.Asp711Asn; replaces aspartic acid 711 with asparagine.
Molecular consequence: missense variant.
Genome position (GRCh38, 1-based): chr19:41,975,761, C>T on the plus strand (G>A on the coding strand, the complement: ATP1A3 is on the minus strand). VCF-style: chr19-41975761-C-T. GRCh37 (hg19) VCF-style: chr19-42479913-C-T.
Other names: c.2164G>A, p.Asp722Asn (NM_001256213.2); c.2170G>A, p.Asp724Asn (NM_001256214.2); c.2131G>A (NM_152296.4); short protein forms D722N, D724N, D711N.
Identifiers: ClinVar variation 2003227 (VCV002003227.8), dbSNP rs2075159206, ClinGen allele CA406042163.